The following is an entry in ClinVar:

NM_001367916.1(MAGT1):c.762+1G>A

Gene: MAGT1 (magnesium transporter 1; minus strand). Cytogenetic location: Xq21.1.
Variant type: single nucleotide variant.
Coding change: c.762+1G>A on transcript NM_001367916.1 (MANE Select); the canonical splice donor site of the intron after coding-DNA position 762, G replaced by A.
Molecular consequence: splice donor variant.
Genome position (GRCh38, 1-based): chrX:77,855,500, C>T on the plus strand (G>A on the coding strand, the complement: MAGT1 is on the minus strand). VCF-style: chrX-77855500-C-T. GRCh37 (hg19) VCF-style: chrX-77110997-C-T.
Other names: c.858+1G>A (NM_032121.5).
Identifiers: ClinVar variation 2864961 (VCV002864961.3), dbSNP rs2521993448, ClinGen allele CA413713348.

ClinVar aggregate classification (germline): Likely pathogenic (1 of 4 stars; one submission).

Conditions:
X-linked immunodeficiency with magnesium defect, Epstein-Barr virus infection and neoplasia. Identifiers: Orphanet 317476, MedGen C3275445, MONDO:0010455, OMIM 300853.

Submission:

Labcorp Genetics (formerly Invitae), Labcorp
Classification: Likely pathogenic for X-linked immunodeficiency with magnesium defect, Epstein-Barr virus infection and neoplasia. Last evaluated: 2023-05-16. Review status: criteria provided, single submitter. Criteria: Invitae Variant Classification Sherloc (09022015). Collection method: clinical testing. Allele origin: germline.
Comment: In summary, the currently available evidence indicates that the variant is pathogenic, but additional data are needed to prove that conclusively. Therefore, this variant has been classified as Likely Pathogenic. Algorithms developed to predict the effect of sequence changes on RNA splicing suggest that this variant may disrupt the consensus splice site. This variant has not been reported in the literature in individuals affected with MAGT1-related conditions. This variant is not present in population databases (gnomAD no frequency). This sequence change affects a donor splice site in intron 6 of the MAGT1 gene. It is expected to disrupt RNA splicing. Variants that disrupt the donor or acceptor splice site typically lead to a loss of protein function (PMID: 16199547), and loss-of-function variants in MAGT1 are known to be pathogenic (PMID: 24550228).

Literature cited by the submitters: PubMed 16199547; PubMed 24550228.